The following is an entry in ClinVar:

ClinVar aggregate classification (germline): Uncertain significance. Review status: criteria provided, multiple submitters, no conflicts (2 of 4 stars). 2 submissions from 2 submitters: Uncertain significance (2). Last evaluated 2026-09-11.

Conditions:
Hereditary cancer-predisposing syndrome. Also called: Hereditary neoplastic syndrome; Neoplastic Syndromes, Hereditary; Tumor predisposition; Hereditary Cancer Syndrome. Identifiers: Orphanet 140162, MedGen C0027672, MeSH D009386, MONDO:0015356.

Allele frequency attached by ClinVar (database versions not stated): gnomAD exomes below 0.00001.
gnomAD v4.1: 1 of 1,613,694 alleles (0.000062%); highest among the groups gnomAD compares: Non-Finnish European, 0.000085%; no homozygotes.

Submissions (2):

Ambry Genetics
Classification: Uncertain significance for Hereditary cancer-predisposing syndrome. Last evaluated: 2026-09-11. Review status: criteria provided, single submitter. Criteria: Ambry Variant Classification Scheme 2023. Collection method: clinical testing. Allele origin: germline.
Comment: The c.232+4C>T intronic variant results from a C to T substitution 4 nucleotides after coding exon 2 in the SMARCB1 gene. This nucleotide position is highly conserved in available vertebrate species. In silico splice site analysis predicts that this alteration may weaken the native splice donor site; however, direct evidence is insufficient at this time (Ambry internal data). Based on the available evidence, the clinical significance of this variant remains unclear.

Labcorp Genetics (formerly Invitae), Labcorp
Classification: Uncertain significance. Last evaluated: 2024-07-01. Review status: criteria provided, single submitter. Criteria: Invitae Variant Classification Sherloc (09022015). Collection method: clinical testing. Allele origin: germline.
Comment: This sequence change falls in intron 2 of the SMARCB1 gene. It does not directly change the encoded amino acid sequence of the SMARCB1 protein. It affects a nucleotide within the consensus splice site. This variant is not present in population databases (gnomAD no frequency). This variant has not been reported in the literature in individuals affected with SMARCB1-related conditions. ClinVar contains an entry for this variant (Variation ID: 2045330). Variants that disrupt the consensus splice site are a relatively common cause of aberrant splicing (PMID: 17576681, 9536098). Algorithms developed to predict the effect of sequence changes on RNA splicing suggest that this variant may disrupt the consensus splice site. In summary, the available evidence is currently insufficient to determine the role of this variant in disease. Therefore, it has been classified as a Variant of Uncertain Significance.

Literature cited by the submitters: PubMed 17576681 (cited by Labcorp Genetics (formerly Invitae), Labcorp); PubMed 9536098 (cited by Labcorp Genetics (formerly Invitae), Labcorp).

NM_003073.5(SMARCB1):c.232+4C>T

Gene: SMARCB1 (SWI/SNF related BAF chromatin remodeling complex subunit B1; plus strand). Cytogenetic location: 22q11.23.
Variant type: single nucleotide variant.
Coding change: c.232+4C>T on transcript NM_003073.5 (MANE Select); 4 bases into the intron after coding-DNA position 232, C replaced by T.
Molecular consequence: intron variant.
Genome position (GRCh38, 1-based): chr22:23,791,898, C>T. VCF-style: chr22-23791898-C-T. GRCh37 (hg19) VCF-style: chr22-24134085-C-T.
Other names: c.232+4C>T (NM_003073.3, NM_001362877.2); c.205+31C>T (NM_001317946.2, NM_001007468.3).
Identifiers: ClinVar variation 2045330 (VCV002045330.5), dbSNP rs2145960673, ClinGen allele CA645606654.